The following is an entry in ClinVar:

NM_000293.3(PHKB):c.710+1G>T

Gene: PHKB (phosphorylase kinase regulatory subunit beta; plus strand). Cytogenetic location: 16q12.1.
Variant type: single nucleotide variant.
Coding change: c.710+1G>T on transcript NM_000293.3 (MANE Select); the canonical splice donor site of the intron after coding-DNA position 710, G replaced by T.
Molecular consequence: splice donor variant.
Genome position (GRCh38, 1-based): chr16:47,547,549, G>T. VCF-style: chr16-47547549-G-T. GRCh37 (hg19) VCF-style: chr16-47581460-G-T.
Other names: c.710+1G>T (NM_001363837.1); c.689+1G>T (NM_001031835.3).
Identifiers: ClinVar variation 3004820 (VCV003004820.3), dbSNP rs2506226903, ClinGen allele CA395787716.

ClinVar aggregate classification (germline): Likely pathogenic (1 of 4 stars; one submission).

Conditions:
Glycogen storage disease IXb (GSD9B). Also called: GLYCOGENOSIS OF LIVER AND MUSCLE, AUTOSOMAL RECESSIVE; GSD IXb; PHOSPHORYLASE KINASE DEFICIENCY OF LIVER AND MUSCLE, AUTOSOMAL RECESSIVE. Identifiers: Orphanet 79240, MedGen C0543514, MONDO:0009868, OMIM 261750.

Submission:

Labcorp Genetics (formerly Invitae), Labcorp
Classification: Likely pathogenic for Glycogen storage disease IXb. Last evaluated: 2022-11-25. Review status: criteria provided, single submitter. Criteria: Invitae Variant Classification Sherloc (09022015). Collection method: clinical testing. Allele origin: germline.
Comment: This sequence change affects a donor splice site in intron 7 of the PHKB gene. It is expected to disrupt RNA splicing. Variants that disrupt the donor or acceptor splice site typically lead to a loss of protein function (PMID: 16199547), and loss-of-function variants in PHKB are known to be pathogenic (PMID: 9215682, 9326319). This variant is not present in population databases (gnomAD no frequency). This variant has not been reported in the literature in individuals affected with PHKB-related conditions. Algorithms developed to predict the effect of sequence changes on RNA splicing suggest that this variant may disrupt the consensus splice site. In summary, the currently available evidence indicates that the variant is pathogenic, but additional data are needed to prove that conclusively. Therefore, this variant has been classified as Likely Pathogenic.

Literature cited by the submitters: PubMed 16199547; PubMed 9215682; PubMed 9326319.